The following is an entry in ClinVar:

NM_000316.3(PTH1R):c.1532G>A (p.Arg511His)

Gene: PTH1R (parathyroid hormone 1 receptor; plus strand). Cytogenetic location: 3p21.31.
Variant type: single nucleotide variant.
Coding change: c.1532G>A on transcript NM_000316.3 (MANE Select); coding-DNA position 1532, G replaced by A.
Protein change: p.Arg511His; replaces arginine 511 with histidine.
Molecular consequence: missense variant.
Genome position (GRCh38, 1-based): chr3:46,903,406, G>A. VCF-style: chr3-46903406-G-A. GRCh37 (hg19) VCF-style: chr3-46944896-G-A.
Other names: c.1532G>A, p.Arg511His (NM_001184744.1); short protein forms R511H.
Identifiers: ClinVar variation 2182074 (VCV002182074.4), dbSNP rs201315349, ClinGen allele CA2359577.

ClinVar aggregate classification (germline): Uncertain significance (1 of 4 stars; one submission).

Allele frequency attached by ClinVar (database versions not stated): ExAC 0.00003; 1000 Genomes Project 30x 0.00031; 1000 Genomes Project 0.00040.
gnomAD v4.1: 20 of 1,613,304 alleles (0.0012%); highest among the groups gnomAD compares: Admixed American, 0.012%; 1 homozygote.

Submission:

Labcorp Genetics (formerly Invitae), Labcorp
Classification: Uncertain significance. Last evaluated: 2024-05-12. Review status: criteria provided, single submitter. Criteria: Invitae Variant Classification Sherloc (09022015). Collection method: clinical testing. Allele origin: germline.
Comment: This sequence change replaces arginine, which is basic and polar, with histidine, which is basic and polar, at codon 511 of the PTH1R protein (p.Arg511His). This variant is present in population databases (rs201315349, gnomAD 0.01%). This variant has not been reported in the literature in individuals affected with PTH1R-related conditions. ClinVar contains an entry for this variant (Variation ID: 2182074). Advanced modeling of protein sequence and biophysical properties (such as structural, functional, and spatial information, amino acid conservation, physicochemical variation, residue mobility, and thermodynamic stability) performed at Invitae indicates that this missense variant is not expected to disrupt PTH1R protein function with a negative predictive value of 80%. In summary, the available evidence is currently insufficient to determine the role of this variant in disease. Therefore, it has been classified as a Variant of Uncertain Significance.